The following is an entry in ClinVar:

ClinVar aggregate classification (germline): Uncertain significance. Review status: criteria provided, multiple submitters, no conflicts (2 of 4 stars). 3 submissions from 3 submitters: Uncertain significance (3). Last evaluated 2022-06-06.

Conditions:
Cardiovascular phenotype. Identifiers: MedGen CN230736.
Alstrom syndrome (ALMS). Identifiers: Orphanet 64, MedGen C0268425, MONDO:0008763, OMIM 203800.

Allele frequency attached by ClinVar (database versions not stated): TOPMed below 0.00001; gnomAD 0.00001.
gnomAD v4.1: 1 of 1,613,430 alleles (0.000062%); highest among the groups gnomAD compares: Non-Finnish European, 0.000085%; no homozygotes.

Submissions (3):

Labcorp Genetics (formerly Invitae), Labcorp
Classification: Uncertain significance for Alstrom syndrome. Last evaluated: 2022-06-06. Review status: criteria provided, single submitter. Criteria: Invitae Variant Classification Sherloc (09022015). Collection method: clinical testing. Allele origin: germline.
Comment: This sequence change replaces glutamine, which is neutral and polar, with glutamic acid, which is acidic and polar, at codon 2068 of the ALMS1 protein (p.Gln2068Glu). This variant is present in population databases (no rsID available, gnomAD 0.007%). This variant has not been reported in the literature in individuals affected with ALMS1-related conditions. ClinVar contains an entry for this variant (Variation ID: 283802). Experimental studies and prediction algorithms are not available or were not evaluated, and the functional significance of this variant is currently unknown. In summary, the available evidence is currently insufficient to determine the role of this variant in disease. Therefore, it has been classified as a Variant of Uncertain Significance.

Ambry Genetics
Classification: Uncertain significance for Cardiovascular phenotype. Last evaluated: 2020-09-16. Review status: criteria provided, single submitter. Criteria: Ambry Variant Classification Scheme 2023. Collection method: clinical testing. Allele origin: germline.
Comment: The p.Q2068E variant (also known as c.6202C>G), located in coding exon 8 of the ALMS1 gene, results from a C to G substitution at nucleotide position 6202. The glutamine at codon 2068 is replaced by glutamic acid, an amino acid with highly similar properties. This amino acid position is not well conserved in available vertebrate species. In addition, this alteration is predicted to be tolerated by in silico analysis. Since supporting evidence is limited at this time, the clinical significance of this alteration remains unclear.

Eurofins Ntd Llc (ga)
Classification: Uncertain significance. Last evaluated: 2015-10-20. Review status: criteria provided, single submitter. Criteria: EGL Classification Definitions 2015. Collection method: clinical testing. Allele origin: germline. Observed: 1 variant allele, 1 heterozygote.

NM_001378454.1(ALMS1):c.6199C>G (p.Gln2067Glu)

Gene: ALMS1 (ALMS1 centrosome and basal body associated protein; plus strand). Cytogenetic location: 2p13.1.
Variant type: single nucleotide variant.
Coding change: c.6199C>G on transcript NM_001378454.1 (MANE Select); coding-DNA position 6199, C replaced by G.
Protein change: p.Gln2067Glu; replaces glutamine 2067 with glutamic acid.
Molecular consequence: missense variant.
Genome position (GRCh38, 1-based): chr2:73,452,726, C>G. VCF-style: chr2-73452726-C-G. GRCh37 (hg19) VCF-style: chr2-73679853-C-G.
Other names: c.6202C>G, p.Gln2068Glu (NM_015120.4); short protein forms Q2068E, Q2067E.
Identifiers: ClinVar variation 283802 (VCV000283802.9), dbSNP rs886042711, ClinGen allele CA10604594.